The following is an entry in ClinVar:

NM_005227.3(EFNA4):c.451G>C (p.Val151Leu)

Genes: ADAM15-EFNA4 (ADAM15-EFNA4 readthrough; plus strand), EFNA4 (ephrin A4; plus strand), EFNA4-EFNA3 (EFNA4-EFNA3 readthrough; plus strand). Cytogenetic location: 1q21.3.
Variant type: single nucleotide variant.
Coding change: c.451G>C on transcript NM_005227.3 (MANE Select); coding-DNA position 451, G replaced by C.
Protein change: p.Val151Leu; replaces valine 151 with leucine.
Molecular consequence: missense variant. On other transcripts: intron variant (1), non-coding transcript variant (1).
Genome position (GRCh38, 1-based): chr1:155,067,422, G>C. VCF-style: chr1-155067422-G-C. GRCh37 (hg19) VCF-style: chr1-155039898-G-C.
Other names: c.451G>C, p.Val151Leu (NM_182689.2, NM_182690.3); c.113+3486G>C (NM_001407761.1); c.223G>C, p.Val75Leu (NM_001406810.1); short protein forms V151L, V75L.
Identifiers: ClinVar variation 3685924 (VCV003685924.2).

ClinVar aggregate classification (germline): Uncertain significance (1 of 4 stars; one submission).

gnomAD v4.1: 6 of 1,614,220 alleles (0.00037%); highest among the groups gnomAD compares: South Asian, 0.0055%; no homozygotes.

Submission:

Labcorp Genetics (formerly Invitae), Labcorp
Classification: Uncertain significance. Last evaluated: 2024-08-12. Review status: criteria provided, single submitter. Criteria: Invitae Variant Classification Sherloc (09022015). Collection method: clinical testing. Allele origin: germline.
Comment: This sequence change replaces valine, which is neutral and non-polar, with leucine, which is neutral and non-polar, at codon 151 of the EFNA4 protein (p.Val151Leu). This variant is present in population databases (no rsID available, gnomAD 0.003%). This variant has not been reported in the literature in individuals affected with EFNA4-related conditions. An algorithm developed to predict the effect of missense changes on protein structure and function (PolyPhen-2) suggests that this variant is likely to be tolerated. In summary, the available evidence is currently insufficient to determine the role of this variant in disease. Therefore, it has been classified as a Variant of Uncertain Significance.